The following is an entry in ClinVar:

NM_012463.4(ATP6V0A2):c.263C>T (p.Ala88Val)

Gene: ATP6V0A2 (ATPase H+ transporting V0 subunit a2; plus strand). Cytogenetic location: 12q24.31.
Variant type: single nucleotide variant.
Coding change: c.263C>T on transcript NM_012463.4 (MANE Select); coding-DNA position 263, C replaced by T.
Protein change: p.Ala88Val; replaces alanine 88 with valine.
Molecular consequence: missense variant.
Genome position (GRCh38, 1-based): chr12:123,722,417, C>T. VCF-style: chr12-123722417-C-T. GRCh37 (hg19) VCF-style: chr12-124206964-C-T.
Other names: short protein forms A88V.
Identifiers: ClinVar variation 1431786 (VCV001431786.6), dbSNP rs199633614, ClinGen allele CA6861537.

ClinVar aggregate classification (germline): Uncertain significance (1 of 4 stars; one submission).

Conditions:
ALG9 congenital disorder of glycosylation (CDG1L). Also called: CDG Il; CONGENITAL DISORDER OF GLYCOSYLATION, TYPE Il; ALG9-CDG. Identifiers: Orphanet 79328, MedGen C2931006, MONDO:0012117, OMIM 608776.

Allele frequency attached by ClinVar (database versions not stated): ExAC 0.00002; gnomAD exomes 0.00002; TOPMed 0.00002; gnomAD 0.00003; 1000 Genomes Project 0.00020; 1000 Genomes Project 30x 0.00031.
gnomAD v4.1: 14 of 1,611,276 alleles (0.00087%); highest among the groups gnomAD compares: African/African-American, 0.008%; no homozygotes.

Submission:

Labcorp Genetics (formerly Invitae), Labcorp
Classification: Uncertain significance for ALG9 congenital disorder of glycosylation. Last evaluated: 2022-05-25. Review status: criteria provided, single submitter. Criteria: Invitae Variant Classification Sherloc (09022015). Collection method: clinical testing. Allele origin: germline.
Comment: This variant is present in population databases (rs199633614, gnomAD 0.007%). In summary, the available evidence is currently insufficient to determine the role of this variant in disease. Therefore, it has been classified as a Variant of Uncertain Significance. Algorithms developed to predict the effect of missense changes on protein structure and function are either unavailable or do not agree on the potential impact of this missense change (SIFT: "Tolerated"; PolyPhen-2: "Probably Damaging"; Align-GVGD: "Class C0"). This variant has not been reported in the literature in individuals affected with ATP6V0A2-related conditions. This sequence change replaces alanine, which is neutral and non-polar, with valine, which is neutral and non-polar, at codon 88 of the ATP6V0A2 protein (p.Ala88Val).